The following is an entry in ClinVar:

ClinVar aggregate classification (germline): Likely benign (1 of 4 stars; one submission).

Allele frequency attached by ClinVar (database versions not stated): gnomAD 0.00014; TOPMed 0.00014; gnomAD exomes 0.00015; ExAC 0.00016; ESP Exome Variant Server 0.00017; 1000 Genomes Project 30x 0.00031.
gnomAD v4.1: 248 of 1,614,152 alleles (0.015%); highest among the groups gnomAD compares: Middle Eastern, 0.066%; 2 homozygotes.

Submission:

CeGaT Center for Human Genetics Tuebingen
Classification: Likely benign. Last evaluated: 2023-02-01. Review status: criteria provided, single submitter. Criteria: CeGaT Center For Human Genetics Tuebingen Variant Classification Criteria Version 2. Collection method: clinical testing. Allele origin: germline. Affected: yes. Observed: 1 variant allele.
Comment: SPATA31H1: BP4, BP7

NM_032266.5(SPATA31H1):c.12054T>C (p.Val4018=)

Gene: SPATA31H1 (SPATA31 subfamily H member 1; plus strand). Cytogenetic location: 2p23.3.
Variant type: single nucleotide variant.
Coding change: c.12054T>C on transcript NM_032266.5 (MANE Select); coding-DNA position 12054, T replaced by C.
Protein change: p.Val4018=; no amino-acid change (valine 4018 retained).
Molecular consequence: synonymous variant.
Genome position (GRCh38, 1-based): chr2:27,578,414, T>C. VCF-style: chr2-27578414-T-C. GRCh37 (hg19) VCF-style: chr2-27801281-T-C.
Identifiers: ClinVar variation 2650772 (VCV002650772.23), dbSNP rs199963644, ClinGen allele CA1582503.